The following is an entry in ClinVar:

NM_000257.4(MYH7):c.791A>G (p.Glu264Gly)

Gene: MYH7 (myosin heavy chain 7; minus strand). Cytogenetic location: 14q11.2.
Variant type: single nucleotide variant.
Coding change: c.791A>G on transcript NM_000257.4 (MANE Select); coding-DNA position 791, A replaced by G.
Protein change: p.Glu264Gly; replaces glutamic acid 264 with glycine.
Molecular consequence: missense variant.
Genome position (GRCh38, 1-based): chr14:23,431,423, T>C on the plus strand (A>G on the coding strand, the complement: MYH7 is on the minus strand). VCF-style: chr14-23431423-T-C. GRCh37 (hg19) VCF-style: chr14-23900632-T-C.
Other names: c.791A>G, p.Glu264Gly (NM_001407004.1); short protein forms E264G.
Identifiers: ClinVar variation 4882987 (VCV004882987.2).

ClinVar aggregate classification (germline): Uncertain significance (1 of 4 stars; one submission).

Submission:

Dasa
Classification: Uncertain significance. Last evaluated: 2025-04-28. Review status: criteria provided, single submitter. Criteria: DASA Assertion Criteria. Collection method: clinical testing. Allele origin: germline.
Comment: NM_000257.4(MYH7):c.791A>G (p.Glu264Gly) is a missense variant that results in the substitution of glutamic acid with glycine. This variant is absent from population databases. Computational prediction algorithms are consistent with a deleterious effect. The currently available literature and clinical evidence are not sufficient to establish a definitive association between this variant and the reported condition. Therefore, this variant is classified as a variant of uncertain significance.